The following is an entry in ClinVar:

NM_005535.3(IL12RB1):c.102G>A (p.Pro34=)

Gene: IL12RB1 (interleukin 12 receptor subunit beta 1; minus strand). Cytogenetic location: 19p13.11.
Variant type: single nucleotide variant.
Coding change: c.102G>A on transcript NM_005535.3 (MANE Select); coding-DNA position 102, G replaced by A.
Protein change: p.Pro34=; no amino-acid change (proline 34 retained).
Molecular consequence: synonymous variant.
Genome position (GRCh38, 1-based): chr19:18,083,454, C>T on the plus strand (G>A on the coding strand, the complement: IL12RB1 is on the minus strand). VCF-style: chr19-18083454-C-T. GRCh37 (hg19) VCF-style: chr19-18194264-C-T.
Other names: c.222G>A, p.Pro74= (NM_001290024.2); c.102G>A, p.Pro34= (NM_153701.3, NM_001290023.2).
Identifiers: ClinVar variation 474974 (VCV000474974.39), dbSNP rs146978336, ClinGen allele CA9305361.

ClinVar aggregate classification (germline): Benign. Review status: criteria provided, multiple submitters, no conflicts (2 of 4 stars). 3 submissions from 3 submitters: Benign (3). Last evaluated 2026-02-01.

Conditions:
Mendelian susceptibility to mycobacterial diseases due to complete IL12RB1 deficiency. Also called: IL12RB1 DEFICIENCY; Immunodeficiency 30. Identifiers: Orphanet 319552, MedGen C4013949, MONDO:0013955, OMIM 614891.

Allele frequency attached by ClinVar (database versions not stated): 1000 Genomes Project 30x 0.00484; TOPMed 0.00588; gnomAD 0.00635 and 0.00638; gnomAD exomes 0.00704; ExAC 0.00772; ESP Exome Variant Server 0.00892; 1000 Genomes Project 0.00459.
gnomAD v4.1: 14,992 of 1,613,896 alleles (0.93%); highest among the groups gnomAD compares: Non-Finnish European, 1.1%; 89 homozygotes.

Submissions (3):

Labcorp Genetics (formerly Invitae), Labcorp
Classification: Benign for Mendelian susceptibility to mycobacterial diseases due to complete IL12RB1 deficiency. Last evaluated: 2026-02-01. Review status: criteria provided, single submitter. Criteria: Invitae Variant Classification Sherloc (09022015). Collection method: clinical testing. Allele origin: germline.

CeGaT Center for Human Genetics Tuebingen
Classification: Benign. Last evaluated: 2025-08-01. Review status: criteria provided, single submitter. Criteria: CeGaT Center For Human Genetics Tuebingen Variant Classification Criteria Version 2. Collection method: clinical testing. Allele origin: germline. Affected: yes. Observed: 3 variant alleles.
Comment: IL12RB1: BP4, BP7, BS1, BS2

Illumina Laboratory Services, Illumina
Classification: Benign for Mendelian susceptibility to mycobacterial diseases due to complete IL12RB1 deficiency. Last evaluated: 2018-01-12. Review status: criteria provided, single submitter. Criteria: ICSL Variant Classification Criteria 13 December 2019. Collection method: clinical testing. Allele origin: germline.
Comment: This variant was observed in the ICSL laboratory as part of a predisposition screen in an ostensibly healthy population. It had not been previously curated by ICSL or reported in the Human Gene Mutation Database (HGMD: prior to June 1st, 2018), and was therefore a candidate for classification through an automated scoring system. Utilizing variant allele frequency, disease prevalence and penetrance estimates, and inheritance mode, an automated score was calculated to assess if this variant is too frequent to cause the disease. Based on the score and internal cut-off values, a variant classified as benign is not then subjected to further curation. The score for this variant resulted in a classification of benign for this disease.